The following is an entry in ClinVar:

ClinVar aggregate classification (germline): Uncertain significance. Review status: criteria provided, multiple submitters, no conflicts (2 of 4 stars). 2 submissions from 2 submitters: Uncertain significance (2). Last evaluated 2026-01-28.

gnomAD v4.1: 13 of 1,587,840 alleles (0.00082%); highest among the groups gnomAD compares: South Asian, 0.0022%; no homozygotes.

Submissions (2):

Dasa
Classification: Uncertain significance. Last evaluated: 2026-01-28. Review status: criteria provided, single submitter. Criteria: DASA Assertion Criteria. Collection method: clinical testing. Allele origin: germline.
Comment: NM_002940.3(ABCE1):c.403G>A (p.Asp135Asn) is a missense variant that results in the substitution of aspartic acid with asparagine. This variant is rare in population databases. Computational prediction algorithms are consistent with a deleterious effect. The currently available literature and clinical evidence are not sufficient to establish a definitive association between this variant and the reported condition. Therefore, this variant is classified as a variant of uncertain significance.

Ambry Genetics
Classification: Uncertain significance. Last evaluated: 2024-06-26. Review status: criteria provided, single submitter. Criteria: Ambry Variant Classification Scheme 2023. Collection method: clinical testing. Allele origin: germline.

NM_002940.3(ABCE1):c.403G>A (p.Asp135Asn)

Gene: ABCE1 (ATP binding cassette subfamily E member 1; plus strand). Cytogenetic location: 4q31.21.
Variant type: single nucleotide variant.
Coding change: c.403G>A on transcript NM_002940.3 (MANE Select); coding-DNA position 403, G replaced by A.
Protein change: p.Asp135Asn; replaces aspartic acid 135 with asparagine.
Molecular consequence: missense variant.
Genome position (GRCh38, 1-based): chr4:145,109,247, G>A. VCF-style: chr4-145109247-G-A. GRCh37 (hg19) VCF-style: chr4-146030399-G-A.
Other names: c.403G>A, p.Asp135Asn (NM_001040876.2); short protein forms D135N.
Identifiers: ClinVar variation 3408811 (VCV003408811.3).